The following is an entry in ClinVar:

ClinVar aggregate classification (germline): Uncertain significance (1 of 4 stars; one submission).

Submission:

Labcorp Genetics (formerly Invitae), Labcorp
Classification: Uncertain significance. Last evaluated: 2024-10-30. Review status: criteria provided, single submitter. Criteria: Invitae Variant Classification Sherloc (09022015). Collection method: clinical testing. Allele origin: germline.
Comment: This sequence change replaces valine, which is neutral and non-polar, with alanine, which is neutral and non-polar, at codon 262 of the ANGPT1 protein (p.Val262Ala). This variant is not present in population databases (gnomAD no frequency). This variant has not been reported in the literature in individuals affected with ANGPT1-related conditions. An algorithm developed to predict the effect of missense changes on protein structure and function (PolyPhen-2) suggests that this variant is likely to be tolerated. In summary, the available evidence is currently insufficient to determine the role of this variant in disease. Therefore, it has been classified as a Variant of Uncertain Significance.

NM_001146.5(ANGPT1):c.785T>C (p.Val262Ala)

Gene: ANGPT1 (angiopoietin 1; minus strand). Cytogenetic location: 8q23.1.
Variant type: single nucleotide variant.
Coding change: c.785T>C on transcript NM_001146.5 (MANE Select); coding-DNA position 785, T replaced by C.
Protein change: p.Val262Ala; replaces valine 262 with alanine.
Molecular consequence: missense variant.
Genome position (GRCh38, 1-based): chr8:107,321,919, A>G on the plus strand (T>C on the coding strand, the complement: ANGPT1 is on the minus strand). VCF-style: chr8-107321919-A-G. GRCh37 (hg19) VCF-style: chr8-108334147-A-G.
Other names: c.785T>C, p.Val262Ala (NM_001199859.3); c.185T>C, p.Val62Ala (NM_001314051.2); short protein forms V262A, V62A.
Identifiers: ClinVar variation 3723756 (VCV003723756.2).